The following is an entry in ClinVar:

ClinVar aggregate classification (germline): Uncertain significance (1 of 4 stars; one submission).

Conditions:
Dilated cardiomyopathy 1EE (CMD1EE). Identifiers: Orphanet 154, MedGen C2750466, MONDO:0013198, OMIM 613252.

Submission:

MVZ Praenatalmedizin und Genetik Nuernberg
Classification: Uncertain significance for Dilated cardiomyopathy 1EE. Last evaluated: 2023-06-23. Review status: criteria provided, single submitter. Criteria: ACMG Guidelines, 2015. Collection method: clinical testing. Allele origin: germline. Affected: yes.
Comment: Computer-based predictions (in silico) conducted for this purpose indicate a tendency toward pathogenicity. A literature search did not yield any additional information. These data suggest pathogenicity, but are not sufficient for classification. In summary, based on the current data, we assess this variant as having unclear clinical significance (VUS).

NM_002471.4(MYH6):c.535G>A (p.Glu179Lys)

Genes: MYH6 (myosin heavy chain 6; minus strand), LOC114827851 (VISTA enhancer hs2155; plus strand). Cytogenetic location: 14q11.2.
Variant type: single nucleotide variant.
Coding change: c.535G>A on transcript NM_002471.4 (MANE Select); coding-DNA position 535, G replaced by A.
Protein change: p.Glu179Lys; replaces glutamic acid 179 with lysine.
Molecular consequence: missense variant.
Genome position (GRCh38, 1-based): chr14:23,404,818, C>T on the plus strand (G>A on the coding strand, the complement: MYH6 is on the minus strand). VCF-style: chr14-23404818-C-T. GRCh37 (hg19) VCF-style: chr14-23874027-C-T.
Other names: short protein forms E179K.
Identifiers: ClinVar variation 4813436 (VCV004813436.1).
Genomic context (GRCh38, chr14:23,404,818, plus strand): 5'-CAATGCTGGCAAAGTACTGGATGACACGCTTGGTGTTCACAGTCTTCCCCGCCCCGGATT[C>T]TCCCCTGGGGGCCACAGAGACCAATCAAAACTCAGGATTCCTACTGTTCTCCATACAGGG-3'
Protein context (NP_002462.2, residues 169-189): RENQSILITG[Glu179Lys]SGAGKTVNTK